The following is an entry in ClinVar:

NM_206933.4(USH2A):c.5147dup (p.Ala1717fs)

Genes: USH2A (usherin; minus strand), USH2A-AS2 (USH2A antisense RNA 2; plus strand). Cytogenetic location: 1q41.
Variant type: Duplication.
Coding change: c.5147dup on transcript NM_206933.4 (MANE Select); coding-DNA position 5147, one base duplicated (G; older notation c.5147dupG).
Protein change: p.Ala1717fs; shifts the reading frame from alanine 1717.
Molecular consequence: frameshift variant.
Genome position (GRCh38, 1-based): chr1:216,084,718, C duplicated on the plus strand (G on the coding strand, the reverse complement: USH2A is on the minus strand); the first of 3 consecutive C bases (chr1:216,084,718-216,084,720); duplicating any one gives the same sequence. VCF-style (leftmost placement, unchanged base first): chr1-216084717-T-TC. GRCh37 (hg19) VCF-style: chr1-216258059-T-TC.
Other names: c.5147dup (NM_206933.2); short protein forms A1717fs.
Identifiers: ClinVar variation 2679512 (VCV002679512.2), dbSNP rs2527808361, ClinGen allele CA2695200002.

ClinVar aggregate classification (germline): Likely pathogenic. Review status: criteria provided, multiple submitters, no conflicts (2 of 4 stars). 2 submissions from 2 submitters: Likely pathogenic (2). Last evaluated 2024-09-06.

Conditions:
Retinitis pigmentosa 39 (RP39). Identifiers: Orphanet 791, MedGen C3151138, MONDO:0013436, OMIM 613809.
Usher syndrome type 2A. Also called: RETINAL DISEASE IN USHER SYNDROME TYPE IIA, MODIFIER OF; USHER SYNDROME, TYPE IIA. Identifiers: Orphanet 231178, Orphanet 886, MedGen C1848634, MONDO:0010169, OMIM 276901.

Submissions (2):

Natera, Inc.
Classification: Likely pathogenic for Usher syndrome type 2A. Last evaluated: 2024-09-06. Review status: criteria provided, single submitter. Criteria: Natera Variant Classification Schema (03/2026). Collection method: clinical testing. Allele origin: germline.
Comment: The c.5147dup variant in USH2A is a frameshift variant predicted to shift the reading frame beginning at codon 1717 and leads to a stop codon 23 codons downstream. This variant is expected to result in nonsense mediated decay, truncation, or a dysfunctional protein product. This variant is rare in the general population with a frequency below the threshold expected for the associated phenotype(s). Given the available evidence, this variant is classified as Likely Pathogenic.

Baylor Genetics
Classification: Likely pathogenic for Retinitis pigmentosa 39. Last evaluated: 2023-04-03. Review status: criteria provided, single submitter. Criteria: ACMG Guidelines, 2015. Collection method: clinical testing. Allele origin: unknown.